The following is an entry in ClinVar:

ClinVar aggregate classification (germline): Pathogenic. Review status: criteria provided, single submitter (1 of 4 stars). 2 submissions from 2 submitters: Pathogenic (1). 1 of the submissions does not count toward it. Last evaluated 2021-08-11.

Conditions:
Charcot-Marie-Tooth disease, type I (CMT1). Also called: Charcot-Marie-Tooth disease type 1; Charcot-Marie-Tooth, Type 1. Identifiers: Orphanet 65753, MedGen C0751036, MONDO:0019011.
Charcot-Marie-Tooth disease. Also called: Charcot-Marie-Tooth Hereditary Neuropathy; Charcot-Marie-Tooth Neuropathy. Identifiers: Orphanet 166, MedGen C0007959, MONDO:0015626.

Submissions (2):

Labcorp Genetics (formerly Invitae), Labcorp
Classification: Pathogenic for Charcot-Marie-Tooth disease, type I. Last evaluated: 2021-08-11. Review status: criteria provided, single submitter. Criteria: Invitae Variant Classification Sherloc (09022015). Collection method: clinical testing. Allele origin: germline.
Comment: This sequence change creates a premature translational stop signal (p.Trp140*) in the PMP22 gene. While this is not anticipated to result in nonsense mediated decay, it is expected to disrupt the last 21 amino acid(s) of the PMP22 protein. This variant is not present in population databases (ExAC no frequency). This premature translational stop signal has been observed in individual(s) with hereditary neuropathy with liability to pressure palsies (PMID: 22006697). ClinVar contains an entry for this variant (Variation ID: 637823). Algorithms developed to predict the effect of sequence changes on RNA splicing suggest that this variant may create or strengthen a splice site. This variant disrupts a region of the PMP22 protein in which other variant(s) (p.Leu145Argfs*10) have been determined to be pathogenic (PMID: 21149811, 21252112, 23965407). This suggests that this is a clinically significant region of the protein, and that variants that disrupt it are likely to be disease-causing. For these reasons, this variant has been classified as Pathogenic.

Inherited Neuropathy Consortium
Classification: Uncertain significance for Charcot-Marie-Tooth disease. Review status: no assertion criteria provided. Collection method: literature only. Allele origin: germline. Affected: yes. Not counted in ClinVar's aggregate classification.

Literature cited by the submitters: PubMed 22006697 (cited by Labcorp Genetics (formerly Invitae), Labcorp and Inherited Neuropathy Consortium); PubMed 21149811 (cited by Labcorp Genetics (formerly Invitae), Labcorp); PubMed 21252112 (cited by Labcorp Genetics (formerly Invitae), Labcorp); PubMed 23965407 (cited by Labcorp Genetics (formerly Invitae), Labcorp).

NM_000304.4(PMP22):c.419G>A (p.Trp140Ter)

Gene: PMP22 (peripheral myelin protein 22; minus strand). Cytogenetic location: 17p12.
Variant type: single nucleotide variant.
Coding change: c.419G>A on transcript NM_000304.4 (MANE Select); coding-DNA position 419, G replaced by A.
Protein change: p.Trp140Ter; replaces tryptophan 140 with a stop codon.
Molecular consequence: nonsense. On other transcripts: non-coding transcript variant (2).
Genome position (GRCh38, 1-based): chr17:15,230,981, C>T on the plus strand (G>A on the coding strand, the complement: PMP22 is on the minus strand). VCF-style: chr17-15230981-C-T. GRCh37 (hg19) VCF-style: chr17-15134298-C-T.
Other names: c.419G>A, p.Trp140Ter (NM_001281455.2, NM_001281456.2, NM_153321.3 and 1 more transcripts); short protein forms W140*.
Identifiers: ClinVar variation 637823 (VCV000637823.6), dbSNP rs1597597534, ClinGen allele CA398739580.